The following is an entry in ClinVar:

ClinVar aggregate classification (germline): Likely benign. Review status: criteria provided, multiple submitters, no conflicts (2 of 4 stars). 2 submissions from 2 submitters: Likely benign (2). Last evaluated 2025-04-02.

Conditions:
Progressive sclerosing poliodystrophy (MTDPS4A). Also called: ALPERS PROGRESSIVE INFANTILE POLIODYSTROPHY; NEURONAL DEGENERATION OF CHILDHOOD WITH LIVER DISEASE, PROGRESSIVE; Alpers-Huttenlocher Syndrome (AHS); Alpers Syndrome; Mitochondrial DNA Depletion Syndrome 4A; ALPERS DIFFUSE DEGENERATION OF CEREBRAL GRAY MATTER WITH HEPATIC CIRRHOSIS. Identifiers: Orphanet 726, MedGen C0205710, MONDO:0008758, OMIM 203700.

Allele frequency attached by ClinVar (database versions not stated): TOPMed 0.00001.
gnomAD v4.1: 1 of 1,535,630 alleles (0.000065%); highest among the groups gnomAD compares: Non-Finnish European, 0.000087%; no homozygotes.

Submissions (2):

Labcorp Genetics (formerly Invitae), Labcorp
Classification: Likely benign for Progressive sclerosing poliodystrophy. Last evaluated: 2025-04-02. Review status: criteria provided, single submitter. Criteria: Invitae Variant Classification Sherloc (09022015). Collection method: clinical testing. Allele origin: germline.

GeneDx
Classification: Likely benign. Last evaluated: 2016-08-29. Review status: criteria provided, single submitter. Criteria: GeneDx Variant Classification (06012015). Collection method: clinical testing. Allele origin: germline. Affected: yes.
Comment: This variant is considered likely benign or benign based on one or more of the following criteria: it is a conservative change, it occurs at a poorly conserved position in the protein, it is predicted to be benign by multiple in silico algorithms, and/or has population frequency not consistent with disease.

NM_002693.3(POLG):c.21G>A (p.Arg7=)

Genes: POLG (DNA polymerase gamma, catalytic subunit; minus strand), POLGARF (POLG alternative reading frame; minus strand). Cytogenetic location: 15q26.1.
Variant type: single nucleotide variant.
Coding change: c.21G>A on transcript NM_002693.3 (MANE Select); coding-DNA position 21, G replaced by A.
Protein change: p.Arg7=; no amino-acid change (arginine 7 retained).
Molecular consequence: synonymous variant.
Genome position (GRCh38, 1-based): chr15:89,333,734, C>T on the plus strand (G>A on the coding strand, the complement: POLG is on the minus strand). VCF-style: chr15-89333734-C-T. GRCh37 (hg19) VCF-style: chr15-89876965-C-T.
Other names: c.21G>A, p.Arg7= (NM_001126131.2).
Identifiers: ClinVar variation 388946 (VCV000388946.9), dbSNP rs1057523280, ClinGen allele CA16607076.